The following is an entry in ClinVar:

ClinVar aggregate classification (germline): Uncertain significance (1 of 4 stars; one submission).

Conditions:
Myoclonic dystonia 11 (DYT11). Also called: Myoclonic dystonia; Dystonia 11; Dystonia, alcohol responsive; Hereditary essential myoclonus; SGCE Myoclonus-Dystonia; Myoclonus-Dystonia. Identifiers: Orphanet 36899, MedGen C1834570, MONDO:0008044, OMIM 159900.

Submission:

Labcorp Genetics (formerly Invitae), Labcorp
Classification: Uncertain significance for Myoclonic dystonia 11. Last evaluated: 2024-01-18. Review status: criteria provided, single submitter. Criteria: Invitae Variant Classification Sherloc (09022015). Collection method: clinical testing. Allele origin: germline.
Comment: This sequence change creates a premature translational stop signal (p.Gln2*) in the SGCE gene. However, it is currently unclear if variants that occur in this region of the gene cause disease. This variant is not present in population databases (gnomAD no frequency). This variant has not been reported in the literature in individuals affected with SGCE-related conditions. Experimental studies and prediction algorithms are not available or were not evaluated, and the functional significance of this variant is currently unknown. In summary, the available evidence is currently insufficient to determine the role of this variant in disease. Therefore, it has been classified as a Variant of Uncertain Significance.

NM_003919.3(SGCE):c.4C>T (p.Gln2Ter)

Gene: SGCE (sarcoglycan epsilon; minus strand). Cytogenetic location: 7q21.3.
Variant type: single nucleotide variant.
Coding change: c.4C>T on transcript NM_003919.3 (MANE Select); coding-DNA position 4, C replaced by T.
Protein change: p.Gln2Ter; replaces glutamine 2 with a stop codon.
Molecular consequence: nonsense. On other transcripts: 5 prime UTR variant (4).
Genome position (GRCh38, 1-based): chr7:94,656,095, G>A on the plus strand (C>T on the coding strand, the complement: SGCE is on the minus strand). VCF-style: chr7-94656095-G-A. GRCh37 (hg19) VCF-style: chr7-94285407-G-A.
Other names: c.4C>T, p.Gln2Ter (NM_001099400.2, NM_001099401.2, NM_001301139.2 and 4 more transcripts); c.-254C>T (NM_001346719.2); c.-332C>T (NM_001346720.2, NM_001362808.2); c.-260C>T (NM_001362807.2); short protein forms Q2*.
Identifiers: ClinVar variation 2833972 (VCV002833972.3), dbSNP rs781322593, ClinGen allele CA368393761.